The following is an entry in ClinVar:

NM_004360.5(CDH1):c.505G>A (p.Gly169Ser)

Gene: CDH1 (cadherin 1; plus strand). Cytogenetic location: 16q22.1.
Variant type: single nucleotide variant.
Coding change: c.505G>A on transcript NM_004360.5 (MANE Select); coding-DNA position 505, G replaced by A.
Protein change: p.Gly169Ser; replaces glycine 169 with serine.
Molecular consequence: missense variant. On other transcripts: 5 prime UTR variant (2).
Genome position (GRCh38, 1-based): chr16:68,808,541, G>A. VCF-style: chr16-68808541-G-A. GRCh37 (hg19) VCF-style: chr16-68842444-G-A.
Other names: c.505G>A, p.Gly169Ser (NM_001317184.2); c.-1111G>A (NM_001317185.2); c.-1315G>A (NM_001317186.2); short protein forms G169S.
Identifiers: ClinVar variation 825412 (VCV000825412.12), dbSNP rs1597890692, ClinGen allele CA396457767.

ClinVar aggregate classification (germline): Uncertain significance. Review status: criteria provided, multiple submitters, no conflicts (2 of 4 stars). 2 submissions from 2 submitters: Uncertain significance (2). Last evaluated 2021-04-27.

Conditions:
Hereditary cancer-predisposing syndrome. Also called: Neoplastic Syndromes, Hereditary; Hereditary Cancer Syndrome; Hereditary neoplastic syndrome; Tumor predisposition. Identifiers: Orphanet 140162, MedGen C0027672, MeSH D009386, MONDO:0015356.
Hereditary diffuse gastric adenocarcinoma (HDGC). Also called: DIFFUSE GASTRIC AND LOBULAR BREAST CANCER SYNDROME. Identifiers: Orphanet 26106, MedGen C1708349, MONDO:0007648, OMIM 137215.

Allele frequency attached by ClinVar (database versions not stated): gnomAD exomes below 0.00001.
gnomAD v4.1: 1 of 1,614,146 alleles (0.000062%); highest among the groups gnomAD compares: Non-Finnish European, 0.000085%; no homozygotes.

Submissions (2):

Labcorp Genetics (formerly Invitae), Labcorp
Classification: Uncertain significance for Hereditary diffuse gastric adenocarcinoma. Last evaluated: 2021-04-27. Review status: criteria provided, single submitter. Criteria: Invitae Variant Classification Sherloc (09022015). Collection method: clinical testing. Allele origin: germline.
Comment: In summary, the available evidence is currently insufficient to determine the role of this variant in disease. Therefore, it has been classified as a Variant of Uncertain Significance. Algorithms developed to predict the effect of missense changes on protein structure and function (SIFT, PolyPhen-2, Align-GVGD) all suggest that this variant is likely to be disruptive, but these predictions have not been confirmed by published functional studies and their clinical significance is uncertain. This variant has not been reported in the literature in individuals with CDH1-related conditions. ClinVar contains an entry for this variant (Variation ID: 825412). This variant is not present in population databases (ExAC no frequency). This sequence change replaces glycine with serine at codon 169 of the CDH1 protein (p.Gly169Ser). The glycine residue is highly conserved and there is a small physicochemical difference between glycine and serine.

Ambry Genetics
Classification: Uncertain significance for Hereditary cancer-predisposing syndrome. Last evaluated: 2019-10-29. Review status: criteria provided, single submitter. Criteria: Ambry Variant Classification Scheme 2023. Collection method: clinical testing. Allele origin: germline.
Comment: The p.G169S variant (also known as c.505G>A), located in coding exon 4 of the CDH1 gene, results from a G to A substitution at nucleotide position 505. The glycine at codon 169 is replaced by serine, an amino acid with similar properties. This amino acid position is highly conserved in available vertebrate species. In addition, this alteration is predicted to be deleterious by in silico analysis. Since supporting evidence is limited at this time, the clinical significance of this alteration remains unclear.